The following is an entry in ClinVar:

ClinVar aggregate classification (germline): Uncertain significance (1 of 4 stars; one submission).

Conditions:
Inborn genetic diseases. Identifiers: MedGen C0950123, MeSH D030342.

Allele frequency attached by ClinVar (database versions not stated): TOPMed 0.00002.

Submission:

Ambry Genetics
Classification: Uncertain significance for Inborn genetic diseases. Last evaluated: 2021-02-12. Review status: criteria provided, single submitter. Criteria: Ambry Variant Classification Scheme 2023. Collection method: clinical testing. Allele origin: germline.
Comment: The c.6866T>A (p.L2289H) alteration is located in exon 43 (coding exon 42) of the HERC2 gene. This alteration results from a T to A substitution at nucleotide position 6866, causing the leucine (L) at amino acid position 2289 to be replaced by a histidine (H). The in silico prediction for the p.L2289H alteration is inconclusive. Based on insufficient or conflicting evidence, the clinical significance of this alteration remains unclear.

NM_004667.6(HERC2):c.6866T>A (p.Leu2289His)

Gene: HERC2 (HECT and RLD domain containing E3 ubiquitin protein ligase 2; minus strand). Cytogenetic location: 15q13.1.
Variant type: single nucleotide variant.
Coding change: c.6866T>A on transcript NM_004667.6 (MANE Select); coding-DNA position 6866, T replaced by A.
Protein change: p.Leu2289His; replaces leucine 2289 with histidine.
Molecular consequence: missense variant.
Genome position (GRCh38, 1-based): chr15:28,212,504, A>T on the plus strand (T>A on the coding strand, the complement: HERC2 is on the minus strand). VCF-style: chr15-28212504-A-T. GRCh37 (hg19) VCF-style: chr15-28457650-A-T.
Other names: short protein forms L2289H.
Identifiers: ClinVar variation 2228987 (VCV002228987.2), dbSNP rs1442288703, ClinGen allele CA391399347.